The following is an entry in ClinVar:

ClinVar aggregate classification (germline): Uncertain significance (1 of 4 stars; one submission).

Allele frequency attached by ClinVar (database versions not stated): gnomAD 0.00001; gnomAD exomes 0.00001; TOPMed 0.00002.
gnomAD v4.1: 11 of 1,613,782 alleles (0.00068%); highest among the groups gnomAD compares: Middle Eastern, 0.016%; no homozygotes.

Submission:

Labcorp Genetics (formerly Invitae), Labcorp
Classification: Uncertain significance. Last evaluated: 2021-08-14. Review status: criteria provided, single submitter. Criteria: Invitae Variant Classification Sherloc (09022015). Collection method: clinical testing. Allele origin: germline.
Comment: This sequence change replaces glutamine with lysine at codon 744 of the PCLO protein (p.Gln744Lys). The glutamine residue is weakly conserved and there is a small physicochemical difference between glutamine and lysine. This variant is not present in population databases (ExAC no frequency). This variant has not been reported in the literature in individuals affected with PCLO-related conditions. Algorithms developed to predict the effect of missense changes on protein structure and function are either unavailable or do not agree on the potential impact of this missense change (SIFT: "Tolerated"; PolyPhen-2: "Not Available"; Align-GVGD: "Class C0"). In summary, the available evidence is currently insufficient to determine the role of this variant in disease. Therefore, it has been classified as a Variant of Uncertain Significance.

NM_033026.6(PCLO):c.2230C>A (p.Gln744Lys)

Gene: PCLO (piccolo presynaptic cytomatrix protein; minus strand). Cytogenetic location: 7q21.11.
Variant type: single nucleotide variant.
Coding change: c.2230C>A on transcript NM_033026.6 (MANE Select); coding-DNA position 2230, C replaced by A.
Protein change: p.Gln744Lys; replaces glutamine 744 with lysine.
Molecular consequence: missense variant.
Genome position (GRCh38, 1-based): chr7:83,135,320, G>T on the plus strand (C>A on the coding strand, the complement: PCLO is on the minus strand). VCF-style: chr7-83135320-G-T. GRCh37 (hg19) VCF-style: chr7-82764636-G-T.
Other names: c.2230C>A, p.Gln744Lys (NM_014510.3); short protein forms Q744K.
Identifiers: ClinVar variation 1367506 (VCV001367506.5), dbSNP rs918009703, ClinGen allele CA161172791.
Genomic context (GRCh38, chr7:83,135,320, plus strand): 5'-TGGTTGGCTTTACCATCTTGGGCTGCTTTGGTTTATCATCAGCAACAGGGGCCTTGTCCT[G>T]CTCAGATGGGACAGAAGGTTCTTTGGGAGGGGCTGGCTTGGACAAAGAATCTGCCTCAGG-3'
Protein context (NP_149015.2, residues 734-754): PPKEPSVPSE[Gln744Lys]DKAPVADDKP